The following is an entry in ClinVar:

ClinVar aggregate classification (germline): Pathogenic. Review status: criteria provided, multiple submitters, no conflicts (2 of 4 stars). 2 submissions from 2 submitters: Pathogenic (2). Last evaluated 2024-08-13.

Conditions:
Hereditary cancer-predisposing syndrome. Also called: Neoplastic Syndromes, Hereditary; Hereditary Cancer Syndrome; Tumor predisposition; Hereditary neoplastic syndrome. Identifiers: Orphanet 140162, MedGen C0027672, MeSH D009386, MONDO:0015356.
Hereditary breast ovarian cancer syndrome. Also called: Hereditary breast and ovarian cancer; Hereditary breast and ovarian cancer syndrome; Breast and ovarian cancer; BRCA1- and BRCA2-Associated Hereditary Breast and Ovarian Cancer; Hereditary breast and/or ovarian cancer syndrome; Hereditary breast and ovarian cancer syndrome (HBOC). Identifiers: Orphanet 145, MedGen C0677776, MeSH D061325, MONDO:0003582. Disease mechanism: loss of function.

Submissions (2):

Women's Health and Genetics/Laboratory Corporation of America, LabCorp
Classification: Pathogenic for Hereditary breast ovarian cancer syndrome. Last evaluated: 2024-08-13. Review status: criteria provided, single submitter. Criteria: LabCorp Variant Classification Summary - May 2015. Collection method: clinical testing. Allele origin: germline.
Comment: Variant summary: BRCA2 c.6516delA (p.Val2174LeufsX17) results in a premature termination codon, predicted to cause a truncation of the encoded protein or absence of the protein due to nonsense mediated decay, which are commonly known mechanisms for disease. The variant was absent in 239596 control chromosomes. c.6516delA has been reported in the literature in individuals affected with Hereditary Breast And Ovarian Cancer Syndrome (example, Arai_2018, Ikeda_2007). These data indicate that the variant may be associated with disease. To our knowledge, no experimental evidence demonstrating an impact on protein function has been reported. The following publications have been ascertained in the context of this evaluation (PMID: 11149425, 29176636). ClinVar contains an entry for this variant (Variation ID: 992475). Based on the evidence outlined above, the variant was classified as pathogenic.

Ambry Genetics
Classification: Pathogenic for Hereditary cancer-predisposing syndrome. Last evaluated: 2021-06-21. Review status: criteria provided, single submitter. Criteria: Ambry Variant Classification Scheme 2023. Collection method: clinical testing. Allele origin: germline.
Comment: The c.6516delA pathogenic mutation, located in coding exon 10 of the BRCA2 gene, results from a deletion of one nucleotide at nucleotide position 6516, causing a translational frameshift with a predicted alternate stop codon (p.V2174Lfs*17). This alteration was also reported in 1/963 Japanese individuals undergoing BRCA1/2 testing (Arai M et al. J Hum Genet, 2018 Apr;63:447-457). This variant is considered to be rare based on population cohorts in the Genome Aggregation Database (gnomAD). In addition to the information presented in the literature, this alteration is expected to result in loss of function by premature protein truncation or nonsense-mediated mRNA decay. As such, this alteration is interpreted as a disease-causing mutation.

Literature cited by the submitters: PubMed 11149425 (cited by Women's Health and Genetics/Laboratory Corporation of America, LabCorp and Ambry Genetics); PubMed 29176636 (cited by Women's Health and Genetics/Laboratory Corporation of America, LabCorp and Ambry Genetics).

NM_000059.4(BRCA2):c.6516del (p.Val2174fs)

Gene: BRCA2 (BRCA2 DNA repair associated; plus strand). Cytogenetic location: 13q13.1.
Variant type: Deletion.
Coding change: c.6516del on transcript NM_000059.4 (MANE Select); coding-DNA position 6516, one base deleted (A; older notation c.6516delA).
Protein change: p.Val2174fs; shifts the reading frame from valine 2174.
Molecular consequence: frameshift variant.
Genome position (GRCh38, 1-based): chr13:32,340,871, A deleted. VCF-style (leftmost placement, unchanged base first): chr13-32340870-CA-C. GRCh37 (hg19) VCF-style: chr13-32915007-CA-C.
Other names: c.6516delA (NM_000059.4); short protein forms V2174fs.
Identifiers: ClinVar variation 992475 (VCV000992475.4), dbSNP rs2072558268, ClinGen allele CA1139663238.
Genomic context (GRCh38, chr13:32,340,870, plus strand): 5'-CTCCATATCTCTCTCAATTTCAACAAGACAAACAACAGTTGGTATTAGGAACCAAAGTGT[CA>C]CTTGTTGAGAACATTCATGTTTTGGGAAAAGAACAGGCTTCACCTAAAAACGTAAAAATG-3'